The following is an entry in ClinVar:

NM_005609.4(PYGM):c.383A>G (p.Glu128Gly)

Gene: PYGM (glycogen phosphorylase, muscle associated; minus strand). Cytogenetic location: 11q13.1.
Variant type: single nucleotide variant.
Coding change: c.383A>G on transcript NM_005609.4 (MANE Select); coding-DNA position 383, A replaced by G.
Protein change: p.Glu128Gly; replaces glutamic acid 128 with glycine.
Molecular consequence: missense variant. On other transcripts: intron variant (1).
Genome position (GRCh38, 1-based): chr11:64,758,478, T>C on the plus strand (A>G on the coding strand, the complement: PYGM is on the minus strand). VCF-style: chr11-64758478-T-C. GRCh37 (hg19) VCF-style: chr11-64525950-T-C.
Other names: c.244-212A>G (NM_001164716.1); short protein forms E128G.
Identifiers: ClinVar variation 4085220 (VCV004085220.8).

ClinVar aggregate classification (germline): Uncertain significance (1 of 4 stars; one submission).

gnomAD v4.1: 1 of 1,613,886 alleles (0.000062%); highest among the groups gnomAD compares: Non-Finnish European, 0.000085%; no homozygotes.

Submission:

CeGaT Center for Human Genetics Tuebingen
Classification: Uncertain significance. Last evaluated: 2025-06-01. Review status: criteria provided, single submitter. Criteria: CeGaT Center For Human Genetics Tuebingen Variant Classification Criteria Version 2. Collection method: clinical testing. Allele origin: germline. Affected: yes. Observed: 1 variant allele.
Comment: PYGM: PM2, PP3